The following is an entry in ClinVar:

ClinVar aggregate classification (germline): Pathogenic/Likely pathogenic. Review status: criteria provided, multiple submitters, no conflicts (2 of 4 stars). 2 submissions from 2 submitters: Pathogenic (1); Likely pathogenic (1). Last evaluated 2024-10-23.

Conditions:
Adenylosuccinate lyase deficiency (ADSLD). Also called: ADSL DEFICIENCY. Identifiers: Orphanet 46, MedGen C0268126, MONDO:0007068, OMIM 103050.

Submissions (2):

Labcorp Genetics (formerly Invitae), Labcorp
Classification: Pathogenic for Adenylosuccinate lyase deficiency. Last evaluated: 2024-10-23. Review status: criteria provided, single submitter. Criteria: Invitae Variant Classification Sherloc (09022015). Collection method: clinical testing. Allele origin: germline.
Comment: This variant, c.1343_1345del, results in the deletion of 1 amino acid(s) of the ADSL protein (p.Ser448del), but otherwise preserves the integrity of the reading frame. This variant is present in population databases (rs766428638, gnomAD 0.02%). This variant has been observed in individual(s) with adenylosuccinate lyase deficiency (PMID: 33648541). ClinVar contains an entry for this variant (Variation ID: 204813). This variant disrupts a region of the ADSL protein in which other variant(s) (p.Ser448Pro) have been determined to be pathogenic (PMID: 16839792, 24781210; internal data). This suggests that this is a clinically significant region of the protein, and that variants that disrupt it are likely to be disease-causing. For these reasons, this variant has been classified as Pathogenic.

GeneDx
Classification: Likely pathogenic. Last evaluated: 2024-04-26. Review status: criteria provided, single submitter. Criteria: GeneDx Variant Classification Process June 2021. Collection method: clinical testing. Allele origin: germline. Affected: yes.
Comment: In-frame deletion of 1 amino acid in a non-repeat region; In silico analysis supports a deleterious effect on protein structure/function; Not observed at significant frequency in large population cohorts (gnomAD); This variant is associated with the following publications: (PMID: 33648541)

Literature cited by the submitters: PubMed 33648541 (cited by Labcorp Genetics (formerly Invitae), Labcorp); PubMed 16839792 (cited by Labcorp Genetics (formerly Invitae), Labcorp); PubMed 24781210 (cited by Labcorp Genetics (formerly Invitae), Labcorp).

NM_000026.4(ADSL):c.1337CTT[2] (p.Ser448del)

Gene: ADSL (adenylosuccinate lyase; plus strand). Cytogenetic location: 22q13.1.
Variant type: Microsatellite.
Coding change: c.1337CTT[2] on transcript NM_000026.4 (MANE Select); two copies in a row of the 3-base unit CTT starting at c.1337; the reference has three copies in a row; one copy, 3 bases deleted; also written c.1343_1345del.
Protein change: p.Ser448del; deletes serine 448.
Molecular consequence: inframe deletion. On other transcripts: non-coding transcript variant (1), intron variant (1).
Genome position (GRCh38, 1-based): chr22:40,365,031-40,365,033, CTT deleted; deleting any 3 consecutive bases within chr22:40,365,025-40,365,033 gives the same sequence; the position shown is the placement nearest the transcript's 3' end. VCF-style (leftmost placement, unchanged base first): chr22-40365024-CCTT-C. GRCh37 (hg19) VCF-style: chr22-40761028-CCTT-C.
Other names: c.1145CTT[2], p.Ser384del (NM_001317923.2); c.1337CTT[2], p.Ser448del (NM_001363840.3); c.1191+660CTT[2] (NM_001123378.3); c.1343_1345del (NM_000026.2); short protein forms S448del, S384del.
Identifiers: ClinVar variation 204813 (VCV000204813.13), dbSNP rs796052252, ClinGen allele CA313140.